The following is an entry in ClinVar:

ClinVar aggregate classification (germline): Uncertain significance (1 of 4 stars; one submission).

Submission:

Labcorp Genetics (formerly Invitae), Labcorp
Classification: Uncertain significance. Last evaluated: 2025-12-25. Review status: criteria provided, single submitter. Criteria: Invitae Variant Classification Sherloc (09022015). Collection method: clinical testing. Allele origin: germline.
Comment: This sequence change replaces tyrosine, which is neutral and polar, with cysteine, which is neutral and slightly polar, at codon 442 of the ATP6AP1 protein (p.Tyr442Cys). This variant is present in population databases (rs782183645, gnomAD 0.02%). This variant has not been reported in the literature in individuals affected with ATP6AP1-related conditions. Invitae Evidence Modeling of protein sequence and biophysical properties (such as structural, functional, and spatial information, amino acid conservation, physicochemical variation, residue mobility, and thermodynamic stability) indicates that this missense variant is not expected to disrupt ATP6AP1 protein function with a negative predictive value of 80%. In summary, the available evidence is currently insufficient to determine the role of this variant in disease. Therefore, it has been classified as a Variant of Uncertain Significance.

NM_001183.6(ATP6AP1):c.1325A>G (p.Tyr442Cys)

Gene: ATP6AP1 (ATPase H+ transporting accessory protein 1; plus strand). Cytogenetic location: Xq28.
Variant type: single nucleotide variant.
Coding change: c.1325A>G on transcript NM_001183.6 (MANE Select); coding-DNA position 1325, A replaced by G.
Protein change: p.Tyr442Cys; replaces tyrosine 442 with cysteine.
Molecular consequence: missense variant.
Genome position (GRCh38, 1-based): chrX:154,435,803, A>G. VCF-style: chrX-154435803-A-G. GRCh37 (hg19) VCF-style: chrX-153664149-A-G.
Other names: short protein forms Y442C.
Identifiers: ClinVar variation 4772993 (VCV004772993.1).